The following is an entry in ClinVar:

NM_000535.7(PMS2):c.2204A>G (p.Asn735Ser)

Gene: PMS2 (PMS1 homolog 2, mismatch repair system component; minus strand). Cytogenetic location: 7p22.1.
Variant type: single nucleotide variant.
Coding change: c.2204A>G on transcript NM_000535.7 (MANE Select); coding-DNA position 2204, A replaced by G.
Protein change: p.Asn735Ser; replaces asparagine 735 with serine.
Molecular consequence: missense variant. On other transcripts: non-coding transcript variant (1).
Genome position (GRCh38, 1-based): chr7:5,978,667, T>C on the plus strand (A>G on the coding strand, the complement: PMS2 is on the minus strand). VCF-style: chr7-5978667-T-C. GRCh37 (hg19) VCF-style: chr7-6018298-T-C.
Other names: c.1799A>G, p.Asn600Ser (NM_001018040.1, NM_001322003.2, NM_001322004.2 and 15 more transcripts); c.2048A>G, p.Asn683Ser (NM_001322006.2, NM_001406870.1); c.1886A>G, p.Asn629Ser (NM_001322007.2, NM_001322008.2, NM_001406876.1 and 1 more transcripts); c.1643A>G, p.Asn548Ser (NM_001322010.2, NM_001406906.1, NM_001406907.1); c.1271A>G, p.Asn424Ser (NM_001322011.2, NM_001322012.2); c.1631A>G, p.Asn544Ser (NM_001322013.2, NM_001406908.1, NM_001406909.1); c.2204A>G, p.Asn735Ser (NM_001322014.2); c.1895A>G, p.Asn632Ser (NM_001322015.2, NM_001406875.1, NM_001406877.1 and 5 more transcripts); and 14 more; short protein forms N424S, N573S, N613S, N623S, N627S, N629S, N797S, N334S.
Identifiers: ClinVar variation 1787670 (VCV001787670.3), dbSNP rs2128683406, ClinGen allele CA366736833.
Genomic context (GRCh38, chr7:5,978,667, plus strand): 5'-ATAACAAAATCAAAGCCATTCTTTCTAAATATTTCCAGATTTTCTATCAGAACAGCTTCA[T>C]TAACAGCAGTTAAGTTGAGAGTCTGAGGTCTGAAAAACACAAAAATGATTCAAACCATAT-3'
Protein context (NP_000526.2, residues 725-745): APQTLNLTAV[Asn735Ser]EAVLIENLEI

ClinVar aggregate classification (germline): Uncertain significance. Review status: criteria provided, multiple submitters, no conflicts (2 of 4 stars). 2 submissions from 2 submitters: Uncertain significance (2). Last evaluated 2025-03-24.

Conditions:
Hereditary nonpolyposis colorectal neoplasms. Identifiers: MedGen C0009405, MeSH D003123.
Hereditary cancer-predisposing syndrome. Also called: Neoplastic Syndromes, Hereditary; Tumor predisposition; Hereditary Cancer Syndrome; Hereditary neoplastic syndrome. Identifiers: Orphanet 140162, MedGen C0027672, MeSH D009386, MONDO:0015356.

Submissions (2):

Labcorp Genetics (formerly Invitae), Labcorp
Classification: Uncertain significance for Hereditary nonpolyposis colorectal neoplasms. Last evaluated: 2025-03-24. Review status: criteria provided, single submitter. Criteria: Invitae Variant Classification Sherloc (09022015). Collection method: clinical testing. Allele origin: germline.
Comment: This sequence change replaces asparagine, which is neutral and polar, with serine, which is neutral and polar, at codon 735 of the PMS2 protein (p.Asn735Ser). The frequency data for this variant in the population databases (gnomAD) is considered unreliable due to the presence of homologous sequence, such as pseudogenes or paralogs, in the genome. This variant has not been reported in the literature in individuals affected with PMS2-related conditions. ClinVar contains an entry for this variant (Variation ID: 1787670). Invitae Evidence Modeling incorporating data from in vitro experimental studies (internal data) indicates that this missense variant is not expected to disrupt PMS2 function with a negative predictive value of 95%. In summary, the available evidence is currently insufficient to determine the role of this variant in disease. Therefore, it has been classified as a Variant of Uncertain Significance.

Ambry Genetics
Classification: Uncertain significance for Hereditary cancer-predisposing syndrome. Last evaluated: 2021-06-25. Review status: criteria provided, single submitter. Criteria: Ambry Variant Classification Scheme 2023. Collection method: clinical testing. Allele origin: germline.
Comment: The p.N735S variant (also known as c.2204A>G), located in coding exon 13 of the PMS2 gene, results from an A to G substitution at nucleotide position 2204. The asparagine at codon 735 is replaced by serine, an amino acid with highly similar properties. This amino acid position is well conserved in available vertebrate species. In addition, this alteration is predicted to be tolerated by in silico analysis. Since supporting evidence is limited at this time, the clinical significance of this alteration remains unclear.